The following is an entry in ClinVar:

ClinVar aggregate classification (germline): Conflicting classifications of pathogenicity. Review status: criteria provided, conflicting classifications (1 of 4 stars). 2 submissions from 2 submitters: Uncertain significance (1); Likely benign (1). Last evaluated 2022-08-01.

Conditions:
Hereditary diffuse gastric adenocarcinoma (HDGC). Also called: DIFFUSE GASTRIC AND LOBULAR BREAST CANCER SYNDROME. Identifiers: Orphanet 26106, MedGen C1708349, MONDO:0007648, OMIM 137215.

Allele frequency attached by ClinVar (database versions not stated): gnomAD exomes 0.00001 and 0.00002.

Submissions (2):

European Reference Network on Genetic Tumour Risk Syndromes (ERN-GENTURIS), i3s - Instituto de Investigação e Inovação em Saúde, University of Porto
Classification: Uncertain significance for Hereditary diffuse gastric adenocarcinoma. Last evaluated: 2022-08-01. Review status: criteria provided, single submitter. Criteria: Lee et al. (Hum Mutat. 2018). Collection method: clinical testing. Allele origin: germline. Inheritance: Autosomal dominant inheritance. Affected: no. Study: ERN GENTURIS.
Comment: BS2_Supporting (PMID: 30311375)

GeneDx
Classification: Likely benign. Last evaluated: 2016-10-26. Review status: criteria provided, single submitter. Criteria: GeneDx Variant Classification (06012015). Collection method: clinical testing. Allele origin: germline. Affected: yes.
Comment: This variant is considered likely benign or benign based on one or more of the following criteria: it is a conservative change, it occurs at a poorly conserved position in the protein, it is predicted to be benign by multiple in silico algorithms, and/or has population frequency not consistent with disease.

Literature cited by the submitters: PubMed 36436516 (cited by European Reference Network on Genetic Tumour Risk Syndromes (ERN-GENTURIS), i3s - Instituto de Investigação e Inovação em Saúde, University of Porto).

NM_004360.5(CDH1):c.-29C>G

Genes: CDH1 (cadherin 1; plus strand), LOC130059290 (ATAC-STARR-seq lymphoblastoid silent region 7650; plus strand). Cytogenetic location: 16q22.1.
Variant type: single nucleotide variant.
Coding change: c.-29C>G on transcript NM_004360.5 (MANE Select); 29 bases upstream of the start codon, C replaced by G.
Molecular consequence: 5 prime UTR variant.
Genome position (GRCh38, 1-based): chr16:68,737,387, C>G. VCF-style: chr16-68737387-C-G. GRCh37 (hg19) VCF-style: chr16-68771290-C-G.
Other names: c.-29C>G (LRG_301t1, NM_001317184.2, NM_004360.4); c.-1644C>G (NM_001317185.2); c.-1848C>G (NM_001317186.2).
Identifiers: ClinVar variation 384067 (VCV000384067.2), dbSNP rs1057521843, ClinGen allele CA16607326.
Genomic context (GRCh38, chr16:68,737,387, plus strand): 5'-CGGAAGTCAGTTCAGACTCCAGCCCGCTCCAGCCCGGCCCGACCCGACCGCACCCGGCGC[C>G]TGCCCTCGCTCGGCGTCCCCGGCCAGCCATGGGCCCTTGGAGCCGCAGCCTCTCGGCGCT-3'